The following is an entry in ClinVar:

NM_199242.3(UNC13D):c.1152G>C (p.Gln384His)

Gene: UNC13D (unc-13 homolog D; minus strand). Cytogenetic location: 17q25.1.
Variant type: single nucleotide variant.
Coding change: c.1152G>C on transcript NM_199242.3 (MANE Select); coding-DNA position 1152, G replaced by C.
Protein change: p.Gln384His; replaces glutamine 384 with histidine.
Molecular consequence: missense variant.
Genome position (GRCh38, 1-based): chr17:75,836,822, C>G on the plus strand (G>C on the coding strand, the complement: UNC13D is on the minus strand). VCF-style: chr17-75836822-C-G. GRCh37 (hg19) VCF-style: chr17-73832903-C-G.
Other names: c.1152G>C (NM_199242.2); short protein forms Q384H.
Identifiers: ClinVar variation 1449833 (VCV001449833.7), dbSNP rs570422323, ClinGen allele CA8773114.

ClinVar aggregate classification (germline): Uncertain significance. Review status: criteria provided, multiple submitters, no conflicts (2 of 4 stars). 3 submissions from 3 submitters: Uncertain significance (3). Last evaluated 2025-09-28.

Conditions:
Familial hemophagocytic lymphohistiocytosis 3 (FHL3). Also called: UNC13D-Related Familial Hemophagocytic Lymphohistiocytosis (UNC13D-fHLH). Identifiers: Orphanet 540, MedGen C1837174, MONDO:0012146, OMIM 608898.
Inborn genetic diseases. Identifiers: MedGen C0950123, MeSH D030342.

Allele frequency attached by ClinVar (database versions not stated): gnomAD 0.00001; ExAC 0.00006; gnomAD exomes 0.00008; 1000 Genomes Project 30x 0.00016; 1000 Genomes Project 0.00020.

Submissions (3):

Ambry Genetics
Classification: Uncertain significance for Inborn genetic diseases. Last evaluated: 2025-09-28. Review status: criteria provided, single submitter. Criteria: Ambry Variant Classification Scheme 2023. Collection method: clinical testing. Allele origin: germline.

Labcorp Genetics (formerly Invitae), Labcorp
Classification: Uncertain significance for Familial hemophagocytic lymphohistiocytosis 3. Last evaluated: 2021-09-17. Review status: criteria provided, single submitter. Criteria: Invitae Variant Classification Sherloc (09022015). Collection method: clinical testing. Allele origin: germline.
Comment: This sequence change replaces glutamine with histidine at codon 384 of the UNC13D protein (p.Gln384His). The glutamine residue is moderately conserved and there is a small physicochemical difference between glutamine and histidine. This variant is present in population databases (rs570422323, ExAC 0.04%). This variant has not been reported in the literature in individuals affected with UNC13D-related conditions. Algorithms developed to predict the effect of missense changes on protein structure and function are either unavailable or do not agree on the potential impact of this missense change (SIFT: "Not Available"; PolyPhen-2: "Possibly Damaging"; Align-GVGD: "Not Available"). In summary, the available evidence is currently insufficient to determine the role of this variant in disease. Therefore, it has been classified as a Variant of Uncertain Significance.

Neuberg Centre For Genomic Medicine, NCGM
Classification: Uncertain significance for Familial hemophagocytic lymphohistiocytosis 3. Review status: criteria provided, single submitter. Criteria: ACMG Guidelines, 2015. Collection method: clinical testing. Allele origin: germline. Inheritance: Autosomal recessive inheritance. Affected: yes.
Comment: The missense variant in c.1152G>C (p.Gln384His) in UNC13D gene has not been reported previously as a pathogenic variant nor as a benign variant, to our knowledge. This variant has allele frequency of 0.008% in the gnomAD and novel in 1000 genome database. The amino acid Gln at position 384 is changed to a His changing protein sequence and it might alter its composition and physico-chemical properties. The variant is predicted to be damaging by both SIFT and PolyPhen2. The residue is conserved across species. The amino acid change p.Gln384His in UNC13D is predicted as conserved by GERP++ and PhyloP across 100 vertebrates. For these reasons, this variant has been classified as Uncertain Significance. In the absence of another reportable variant/CNV the molecular diagnosis is not confirmed.